The following is an entry in ClinVar:

NM_014956.5(CEP164):c.2311A>G (p.Ser771Gly)

Gene: CEP164 (centrosomal protein 164; plus strand). Cytogenetic location: 11q23.3.
Variant type: single nucleotide variant.
Coding change: c.2311A>G on transcript NM_014956.5 (MANE Select); coding-DNA position 2311, A replaced by G.
Protein change: p.Ser771Gly; replaces serine 771 with glycine.
Molecular consequence: missense variant.
Genome position (GRCh38, 1-based): chr11:117,392,253, A>G. VCF-style: chr11-117392253-A-G. GRCh37 (hg19) VCF-style: chr11-117262969-A-G.
Other names: c.2320A>G, p.Ser774Gly (NM_001271933.2); c.2311A>G (NM_014956.4); short protein forms S771G, S774G.
Identifiers: ClinVar variation 1087424 (VCV001087424.11), dbSNP rs143601082, ClinGen allele CA6295025.

ClinVar aggregate classification (germline): Conflicting classifications of pathogenicity. Review status: criteria provided, conflicting classifications (1 of 4 stars). 3 submissions from 3 submitters: Uncertain significance (1); Likely benign (1). 1 of the submissions does not count toward it. Last evaluated 2025-09-08.

Conditions:
CEP164-related disorder. Also called: CEP164-related condition.
Nephronophthisis 15 (NPHP15). Identifiers: Orphanet 3156, MedGen C3541853, MONDO:0013917, OMIM 614845.

Allele frequency attached by ClinVar (database versions not stated): gnomAD exomes 0.00012 and 0.00023; ExAC 0.00015; gnomAD 0.00016 and 0.00017; TOPMed 0.00019; ESP Exome Variant Server 0.00031.
gnomAD v4.1: 215 of 1,610,482 alleles (0.013%); highest among the groups gnomAD compares: Non-Finnish European, 0.0019%; 1 homozygote.

Submissions (3):

Labcorp Genetics (formerly Invitae), Labcorp
Classification: Likely benign for Nephronophthisis 15. Last evaluated: 2025-09-08. Review status: criteria provided, single submitter. Criteria: Invitae Variant Classification Sherloc (09022015). Collection method: clinical testing. Allele origin: germline.

Blueprint Genetics
Classification: Uncertain significance. Last evaluated: 2024-10-18. Review status: criteria provided, single submitter. Criteria: ACMG Guidelines, 2015. Collection method: clinical testing. Allele origin: germline.

PreventionGenetics, part of Exact Sciences
Classification: Likely benign for CEP164-related condition. Last evaluated: 2024-07-17. Review status: no assertion criteria provided. Collection method: clinical testing. Allele origin: germline. Not counted in ClinVar's aggregate classification.
Comment: This variant is classified as likely benign based on ACMG/AMP sequence variant interpretation guidelines (Richards et al. 2015 PMID: 25741868, with internal and published modifications).